The following is an entry in ClinVar:

ClinVar aggregate classification (germline): Pathogenic. Review status: criteria provided, single submitter (1 of 4 stars). 2 submissions from 2 submitters: Pathogenic (1). 1 of the submissions does not count toward it. Last evaluated 2024-09-05.

Conditions:
Epilepsy, familial focal, with variable foci 1 (FFEVF1). Also called: DEPDC5-Related Epilepsy. Identifiers: MedGen C4551983, MONDO:0024556, OMIM 604364.

Submissions (2):

3billion
Classification: Pathogenic for Epilepsy, familial focal, with variable foci 1. Last evaluated: 2024-09-05. Review status: criteria provided, single submitter. Criteria: ACMG Guidelines, 2015. Collection method: clinical testing. Allele origin: germline. Affected: yes.
Comment: The variant is not observed in the gnomAD v4.0.0 dataset. Predicted Consequence/Location: Canonical splice site: predicted to alter splicing and result in a loss or disruption of normal protein function. Multiple pathogenic loss-of-function variants are reported downstream of the variant. In silico tools predict the variant to alter splicing and produce an abnormal transcript [SpliceAI: 0.71 (spliceogenicity >=0.2, non-spliceogenicity <0.1)]. The variant has been reported to be associated with DEPDC5 related disorder (PMID: 25623524). Therefore, this variant is classified as Pathogenic according to the recommendation of ACMG/AMP guideline.

GeneReviews
No classification provided. Condition: Epilepsy, familial focal, with variable foci 1. Review status: no classification provided. Collection method: literature only. Allele origin: germline. Affected: yes. Not counted in ClinVar's aggregate classification.

Literature cited by the submitters: PubMed 25623524 (cited by 3billion and GeneReviews); NCBI Bookshelf NBK385626 (cited by GeneReviews).

NM_001242896.3(DEPDC5):c.484-1G>A

Gene: DEPDC5 (DEP domain containing 5, GATOR1 subcomplex subunit; plus strand). Cytogenetic location: 22q12.2.
Variant type: single nucleotide variant.
Coding change: c.484-1G>A on transcript NM_001242896.3 (MANE Select); the canonical splice acceptor site of the intron before coding-DNA position 484, G replaced by A.
Molecular consequence: splice acceptor variant.
Genome position (GRCh38, 1-based): chr22:31,783,906, G>A. VCF-style: chr22-31783906-G-A. GRCh37 (hg19) VCF-style: chr22-32179892-G-A.
Other names: c.484-1G>A (NM_001364318.2, NM_001136029.4, NM_014662.6 and 7 more transcripts); c.400-1G>A (NM_001369902.1, NM_001369901.1).
Identifiers: ClinVar variation 264718 (VCV000264718.3), dbSNP rs886039249, ClinGen allele CA10588026.
Genomic context (GRCh38, chr22:31,783,906, plus strand): 5'-TCTTATAGAACTGAAACTGTATATGGCATTGCTTTTTAATACAATTGTGTTTTTATTTCA[G>A]GTGGTGTTTCGTTCTACGTCGGCTATGGTTTACATATTTATTCAGATGAGCTGTGAAATG-3'